The following is an entry in ClinVar:

NM_012301.4(MAGI2):c.2120G>T (p.Ser707Ile)

Gene: MAGI2 (membrane associated guanylate kinase, WW and PDZ domain containing 2; minus strand). Cytogenetic location: 7q21.11.
Variant type: single nucleotide variant.
Coding change: c.2120G>T on transcript NM_012301.4 (MANE Select); coding-DNA position 2120, G replaced by T.
Protein change: p.Ser707Ile; replaces serine 707 with isoleucine.
Molecular consequence: missense variant.
Genome position (GRCh38, 1-based): chr7:78,195,023, C>A on the plus strand (G>T on the coding strand, the complement: MAGI2 is on the minus strand). VCF-style: chr7-78195023-C-A. GRCh37 (hg19) VCF-style: chr7-77824340-C-A.
Other names: c.2120G>T, p.Ser707Ile (NM_001301128.2); short protein forms S707I.
Identifiers: ClinVar variation 2234002 (VCV002234002.3), dbSNP rs2535284648, ClinGen allele CA367851719.

ClinVar aggregate classification (germline): Uncertain significance. Review status: criteria provided, multiple submitters, no conflicts (2 of 4 stars). 2 submissions from 2 submitters: Uncertain significance (2). Last evaluated 2023-05-04.

Submissions (2):

GeneDx
Classification: Uncertain significance. Last evaluated: 2023-05-04. Review status: criteria provided, single submitter. Criteria: GeneDx Variant Classification Process June 2021. Collection method: clinical testing. Allele origin: germline. Affected: yes.
Comment: Not observed at significant frequency in large population cohorts (gnomAD); In silico analysis supports that this missense variant has a deleterious effect on protein structure/function; Has not been previously published as pathogenic or benign to our knowledge

Ambry Genetics
Classification: Uncertain significance. Last evaluated: 2021-06-21. Review status: criteria provided, single submitter. Criteria: Ambry Variant Classification Scheme 2023. Collection method: clinical testing. Allele origin: germline.